The following is an entry in ClinVar:

ClinVar aggregate classification (germline): Uncertain significance (1 of 4 stars; one submission).

gnomAD v4.1: 17 of 1,613,164 alleles (0.0011%); highest among the groups gnomAD compares: Admixed American, 0.027%; no homozygotes.

Submission:

Labcorp Genetics (formerly Invitae), Labcorp
Classification: Uncertain significance. Last evaluated: 2024-03-07. Review status: criteria provided, single submitter. Criteria: Invitae Variant Classification Sherloc (09022015). Collection method: clinical testing. Allele origin: germline.
Comment: This sequence change replaces serine, which is neutral and polar, with proline, which is neutral and non-polar, at codon 56 of the ROR1 protein (p.Ser56Pro). This variant is present in population databases (rs752547802, gnomAD 0.03%). This variant has not been reported in the literature in individuals affected with ROR1-related conditions. An algorithm developed to predict the effect of missense changes on protein structure and function (PolyPhen-2) suggests that this variant is likely to be tolerated. In summary, the available evidence is currently insufficient to determine the role of this variant in disease. Therefore, it has been classified as a Variant of Uncertain Significance.

NM_005012.4(ROR1):c.166T>C (p.Ser56Pro)

Gene: ROR1 (receptor tyrosine kinase like orphan receptor 1; plus strand). Cytogenetic location: 1p31.3.
Variant type: single nucleotide variant.
Coding change: c.166T>C on transcript NM_005012.4 (MANE Select); coding-DNA position 166, T replaced by C.
Protein change: p.Ser56Pro; replaces serine 56 with proline.
Molecular consequence: missense variant.
Genome position (GRCh38, 1-based): chr1:64,049,693, T>C. VCF-style: chr1-64049693-T-C. GRCh37 (hg19) VCF-style: chr1-64515365-T-C.
Other names: c.166T>C, p.Ser56Pro (NM_001083592.2); short protein forms S56P.
Identifiers: ClinVar variation 3666429 (VCV003666429.2).